The following is an entry in ClinVar:

NM_033056.4(PCDH15):c.5287G>C (p.Ala1763Pro)

Gene: PCDH15 (protocadherin related 15; minus strand). Cytogenetic location: 10q21.1.
Variant type: single nucleotide variant.
Coding change: c.5287G>C on transcript NM_033056.4 (MANE Plus Clinical); coding-DNA position 5287, G replaced by C.
Protein change: p.Ala1763Pro; replaces alanine 1763 with proline.
Molecular consequence: missense variant. On other transcripts: intron variant (8).
Genome position (GRCh38, 1-based): chr10:53,822,439, C>G on the plus strand (G>C on the coding strand, the complement: PCDH15 is on the minus strand). VCF-style: chr10-53822439-C-G. GRCh37 (hg19) VCF-style: chr10-55582199-C-G.
Other names: c.4368-2209G>C (NM_001384140.1); c.4373+2697G>C (NM_001142772.2, NM_001142770.3); c.4388+2697G>C (NM_001142771.2); c.4388+4954G>C (NM_001354411.2); c.4409+2697G>C (NM_001142769.3); c.5308G>C, p.Ala1770Pro (NM_001142763.2); c.5293G>C, p.Ala1765Pro (NM_001142764.2); c.5080G>C, p.Ala1694Pro (NM_001142765.2); and 7 more; short protein forms A1694P, A1723P, A1740P, A1741P, A1743P, A1760P, A1763P, A1765P.
Identifiers: ClinVar variation 1008362 (VCV001008362.4), dbSNP rs1020000476, ClinGen allele CA207219243.
Genomic context (GRCh38, chr10:53,822,439, plus strand): 5'-GAGAGGGAGGAGGACAAAAAAGAGAAAAAGGAGAAATGTCAGGAGGAGGAGCAAGAGGAG[C>G]AGGAGCAGGAGGAGGAGAAGGAGGAGAAATAGGAGGAGGAGGGGGAAGGGGACAGGCAGA-3'
Protein context (NP_149045.3, residues 1753-1773): ISPPSPPPAP[Ala1763Pro]PLAPPPDISP

ClinVar aggregate classification (germline): Uncertain significance (1 of 4 stars; one submission).

Submission:

Labcorp Genetics (formerly Invitae), Labcorp
Classification: Uncertain significance. Last evaluated: 2024-08-04. Review status: criteria provided, single submitter. Criteria: Invitae Variant Classification Sherloc (09022015). Collection method: clinical testing. Allele origin: germline.
Comment: This sequence change replaces alanine, which is neutral and non-polar, with proline, which is neutral and non-polar, at codon 1763 of the PCDH15 protein (p.Ala1763Pro). This variant is not present in population databases (gnomAD no frequency). This variant has not been reported in the literature in individuals affected with PCDH15-related conditions. ClinVar contains an entry for this variant (Variation ID: 1008362). An algorithm developed to predict the effect of missense changes on protein structure and function outputs the following: PolyPhen-2: "Not Available". The proline amino acid residue is found in multiple mammalian species, which suggests that this missense change does not adversely affect protein function. In summary, the available evidence is currently insufficient to determine the role of this variant in disease. Therefore, it has been classified as a Variant of Uncertain Significance.